The following is an entry in ClinVar:

ClinVar aggregate classification (germline): Uncertain significance. Review status: criteria provided, multiple submitters, no conflicts (2 of 4 stars). 2 submissions from 2 submitters: Uncertain significance (2). Last evaluated 2025-07-15.

Conditions:
THOC2-related disorder. Also called: THOC2-related condition.
Inborn genetic diseases. Identifiers: MedGen C0950123, MeSH D030342.

Allele frequency attached by ClinVar (database versions not stated): gnomAD exomes below 0.00001.
gnomAD v4.1: 1 of 1,209,084 alleles (0.000083%); highest among the groups gnomAD compares: Non-Finnish European, 0.00011%; no homozygotes.

Submissions (2):

Ambry Genetics
Classification: Uncertain significance for Inborn genetic diseases. Last evaluated: 2025-07-15. Review status: criteria provided, single submitter. Criteria: Ambry Variant Classification Scheme 2023. Collection method: clinical testing. Allele origin: germline.

PreventionGenetics, part of Exact Sciences
Classification: Uncertain significance for THOC2-related condition. Last evaluated: 2022-10-26. Review status: criteria provided, single submitter. Criteria: ACMG Guidelines, 2015. Collection method: clinical testing. Allele origin: germline.
Comment: The THOC2 c.1997A>G variant is predicted to result in the amino acid substitution p.Asn666Ser. To our knowledge, this variant has not been reported in the literature or in a large population database, indicating this variant is rare. Although we suspect that this variant may be pathogenic, at this time, the clinical significance of this variant is uncertain due to the absence of conclusive functional and genetic evidence.

NM_001081550.2(THOC2):c.1997A>G (p.Asn666Ser)

Gene: THOC2 (THO complex subunit 2; minus strand). Cytogenetic location: Xq25.
Variant type: single nucleotide variant.
Coding change: c.1997A>G on transcript NM_001081550.2 (MANE Select); coding-DNA position 1997, A replaced by G.
Protein change: p.Asn666Ser; replaces asparagine 666 with serine.
Molecular consequence: missense variant.
Genome position (GRCh38, 1-based): chrX:123,636,100, T>C on the plus strand (A>G on the coding strand, the complement: THOC2 is on the minus strand). VCF-style: chrX-123636100-T-C. GRCh37 (hg19) VCF-style: chrX-122769951-T-C.
Other names: short protein forms N666S.
Identifiers: ClinVar variation 2629232 (VCV002629232.2), dbSNP rs2521254701, ClinGen allele CA414268466.